The following is an entry in ClinVar:

NM_014780.5(CUL7):c.3148G>A (p.Val1050Met)

Gene: CUL7 (cullin 7; minus strand). Cytogenetic location: 6p21.1.
Variant type: single nucleotide variant.
Coding change: c.3148G>A on transcript NM_014780.5 (MANE Select); coding-DNA position 3148, G replaced by A.
Protein change: p.Val1050Met; replaces valine 1050 with methionine.
Molecular consequence: missense variant.
Genome position (GRCh38, 1-based): chr6:43,044,776, C>T on the plus strand (G>A on the coding strand, the complement: CUL7 is on the minus strand). VCF-style: chr6-43044776-C-T. GRCh37 (hg19) VCF-style: chr6-43012514-C-T.
Other names: c.3244G>A, p.Val1082Met (NM_001168370.2, NM_001374872.1); c.3148G>A, p.Val1050Met (NM_001374873.1, NM_001374874.1); short protein forms V1082M, V1050M.
Identifiers: ClinVar variation 1904137 (VCV001904137.3), dbSNP rs753529304, ClinGen allele CA3813575.

ClinVar aggregate classification (germline): Uncertain significance (1 of 4 stars; one submission).

Allele frequency attached by ClinVar (database versions not stated): gnomAD 0.00001; gnomAD exomes 0.00001; ExAC 0.00003.
gnomAD v4.1: 21 of 1,611,900 alleles (0.0013%); highest among the groups gnomAD compares: South Asian, 0.0088%; no homozygotes.

Submission:

Labcorp Genetics (formerly Invitae), Labcorp
Classification: Uncertain significance. Last evaluated: 2022-04-09. Review status: criteria provided, single submitter. Criteria: Invitae Variant Classification Sherloc (09022015). Collection method: clinical testing. Allele origin: germline.
Comment: This variant has not been reported in the literature in individuals affected with CUL7-related conditions. This variant is present in population databases (rs753529304, gnomAD 0.02%). This sequence change replaces valine, which is neutral and non-polar, with methionine, which is neutral and non-polar, at codon 1050 of the CUL7 protein (p.Val1050Met). Algorithms developed to predict the effect of missense changes on protein structure and function are either unavailable or do not agree on the potential impact of this missense change (SIFT: "Deleterious"; PolyPhen-2: "Benign"; Align-GVGD: "Class C0"). In summary, the available evidence is currently insufficient to determine the role of this variant in disease. Therefore, it has been classified as a Variant of Uncertain Significance.